The following is an entry in ClinVar:

ClinVar aggregate classification (germline): Benign/Likely benign. Review status: criteria provided, multiple submitters, no conflicts (2 of 4 stars). 7 submissions from 7 submitters: Benign (1); Likely benign (6). Last evaluated 2026-05-15.

Conditions:
NF1-related disorder. Also called: NF1-related condition. Identifiers: MedGen CN379171.
Hereditary cancer-predisposing syndrome. Also called: Neoplastic Syndromes, Hereditary; Tumor predisposition; Hereditary neoplastic syndrome; Hereditary Cancer Syndrome. Identifiers: Orphanet 140162, MedGen C0027672, MeSH D009386, MONDO:0015356.
Neurofibromatosis, type 1 (NF1). Also called: VON RECKLINGHAUSEN DISEASE; Peripheral type neurofibromatosis; Neurofibromatosis, type I; NEUROFIBROMATOSIS, TYPE I, SOMATIC. Identifiers: Orphanet 636, MedGen C0027831, MONDO:0018975, OMIM 162200. Disease mechanism: loss of function.

Allele frequency attached by ClinVar (database versions not stated): gnomAD exomes below 0.00001 and 0.00001; TOPMed 0.00001.
gnomAD v4.1: 2 of 1,613,562 alleles (0.00012%); highest among the groups gnomAD compares: Non-Finnish European, 0.00017%; no homozygotes.

Submissions (7):

Myriad Genetics, Inc.
Classification: Benign for Neurofibromatosis, type 1. Last evaluated: 2026-05-15. Review status: criteria provided, single submitter. Criteria: Myriad Autosomal Dominant, Autosomal Recessive and X-Linked Classification Criteria (2023). Collection method: clinical testing. Allele origin: unknown.
Comment: This variant is considered benign. This variant is a silent/synonymous amino acid change and it is not expected to impact splicing.

PreventionGenetics, part of Exact Sciences
Classification: Likely benign for NF1-related condition. Last evaluated: 2025-12-26. Review status: criteria provided, single submitter. Criteria: ACMG Guidelines, 2015. Collection method: clinical testing. Allele origin: germline.
Comment: This variant is classified as likely benign based on ACMG/AMP sequence variant interpretation guidelines (Richards et al. 2015 PMID: 25741868, with internal and published modifications).

Labcorp Genetics (formerly Invitae), Labcorp
Classification: Likely benign for Neurofibromatosis, type 1. Last evaluated: 2025-09-24. Review status: criteria provided, single submitter. Criteria: Invitae Variant Classification Sherloc (09022015). Collection method: clinical testing. Allele origin: germline.

Institute for Biomarker Research, Medical Diagnostic Laboratories, L.L.C.
Classification: Likely benign for Hereditary cancer-predisposing syndrome. Last evaluated: 2023-05-16. Review status: criteria provided, single submitter. Criteria: ACMG Guidelines, 2015. Collection method: clinical testing. Allele origin: germline.

Blueprint Genetics
Classification: Likely benign. Last evaluated: 2022-08-08. Review status: criteria provided, single submitter. Criteria: ACMG Guidelines, 2015. Collection method: clinical testing. Allele origin: germline.

Genome-Nilou Lab
Classification: Likely benign for Neurofibromatosis, type 1. Last evaluated: 2022-03-15. Review status: criteria provided, single submitter. Criteria: ACMG Guidelines, 2015. Collection method: clinical testing. Allele origin: germline. Affected: no.

Ambry Genetics
Classification: Likely benign for Hereditary cancer-predisposing syndrome. Last evaluated: 2014-08-11. Review status: criteria provided, single submitter. Criteria: Ambry Autosomal Dominant and X-Linked criteria (10/2015). Collection method: clinical testing. Allele origin: germline. Observed: 1 variant allele.

NM_001042492.3(NF1):c.2010A>G (p.Ala670=)

Gene: NF1 (neurofibromin 1; plus strand). Cytogenetic location: 17q11.2.
Variant type: single nucleotide variant.
Coding change: c.2010A>G on transcript NM_001042492.3 (MANE Select); coding-DNA position 2010, A replaced by G.
Protein change: p.Ala670=; no amino-acid change (alanine 670 retained).
Molecular consequence: synonymous variant.
Genome position (GRCh38, 1-based): chr17:31,226,443, A>G. VCF-style: chr17-31226443-A-G. GRCh37 (hg19) VCF-style: chr17-29553461-A-G.
Other names: c.2010A>G, p.Ala670= (NM_000267.4).
Identifiers: ClinVar variation 185768 (VCV000185768.16), dbSNP rs786202440, ClinGen allele CA192873.